The following is an entry in ClinVar:

ClinVar aggregate classification (germline): Uncertain significance (1 of 4 stars; one submission).

gnomAD v4.1: 1 of 1,614,208 alleles (0.000062%); highest among the groups gnomAD compares: Non-Finnish European, 0.000085%; no homozygotes.

Submission:

GeneDx
Classification: Uncertain significance. Last evaluated: 2023-06-02. Review status: criteria provided, single submitter. Criteria: GeneDx Variant Classification Process June 2021. Collection method: clinical testing. Allele origin: germline. Affected: yes.
Comment: Not observed at significant frequency in large population cohorts (gnomAD); In silico analysis supports that this missense variant does not alter protein structure/function; Has not been previously published as pathogenic or benign to our knowledge

NM_021224.6(ZNF462):c.2244C>G (p.Ile748Met)

Gene: ZNF462 (zinc finger protein 462; plus strand). Cytogenetic location: 9q31.2.
Variant type: single nucleotide variant.
Coding change: c.2244C>G on transcript NM_021224.6 (MANE Select); coding-DNA position 2244, C replaced by G.
Protein change: p.Ile748Met; replaces isoleucine 748 with methionine.
Molecular consequence: missense variant.
Genome position (GRCh38, 1-based): chr9:106,926,156, C>G. VCF-style: chr9-106926156-C-G. GRCh37 (hg19) VCF-style: chr9-109688437-C-G.
Other names: c.2244C>G, p.Ile748Met (NM_001347997.2); short protein forms I748M.
Identifiers: ClinVar variation 3359358 (VCV003359358.1).
Genomic context (GRCh38, chr9:106,926,156, plus strand): 5'-AGACAACGAAGTCGAGATAGAGGTTGAGTTGGACAGGGAGGAAGAACCGACAGAACCCAT[C>G]ATAGAGGTTCCCACTTCCTTTTCTGCCCAACAGATATGGGTAAGAGATACCAGTGAGCCC-3'
Protein context (NP_067047.4, residues 738-758): LDREEEPTEP[Ile748Met]IEVPTSFSAQ